The following is an entry in ClinVar:

NM_020771.4(HACE1):c.177T>G (p.Tyr59Ter)

Gene: HACE1 (HECT domain and ankyrin repeat containing E3 ubiquitin protein ligase 1; minus strand). Cytogenetic location: 6q16.3.
Variant type: single nucleotide variant.
Coding change: c.177T>G on transcript NM_020771.4 (MANE Select); coding-DNA position 177, T replaced by G.
Protein change: p.Tyr59Ter; replaces tyrosine 59 with a stop codon.
Molecular consequence: nonsense. On other transcripts: 5 prime UTR variant (6), non-coding transcript variant (7).
Genome position (GRCh38, 1-based): chr6:104,850,951, A>C on the plus strand (T>G on the coding strand, the complement: HACE1 is on the minus strand). VCF-style: chr6-104850951-A-C. GRCh37 (hg19) VCF-style: chr6-105298826-A-C.
Other names: c.177T>G, p.Tyr59Ter (NM_001321080.2, NM_001350555.2); c.75T>G, p.Tyr25Ter (NM_001321083.2, NM_001350554.2); c.-245T>G (NM_001321084.2, NM_001350558.2); c.-234T>G (NM_001350556.2); c.-169T>G (NM_001350557.2); c.-191T>G (NM_001350559.2); c.-399T>G (NM_001350560.2); short protein forms Y59*, Y25*.
Identifiers: ClinVar variation 4734587 (VCV004734587.1).
Genomic context (GRCh38, chr6:104,850,951, plus strand): 5'-ATATCTTTAGTCTTACTTTGCTGCAATGTGAAGCAAGCTTCTTTTCACACGTCCGAATGC[A>C]TAATTGACATCAAATTTTGAATTTGATAGTAGTTCAGAAACAGACCTATGCCAAAATAAA-3'

ClinVar aggregate classification (germline): Pathogenic (1 of 4 stars; one submission).

gnomAD v4.1: 1 of 1,610,544 alleles (0.000062%); highest among the groups gnomAD compares: Non-Finnish European, 0.000085%; no homozygotes.

Submission:

Labcorp Genetics (formerly Invitae), Labcorp
Classification: Pathogenic. Last evaluated: 2026-01-07. Review status: criteria provided, single submitter. Criteria: Invitae Variant Classification Sherloc (09022015). Collection method: clinical testing. Allele origin: germline.
Comment: This sequence change creates a premature translational stop signal (p.Tyr59*) in the HACE1 gene. It is expected to result in an absent or disrupted protein product. Loss-of-function variants in HACE1 are known to be pathogenic (PMID: 26424145, 26437029). This variant is not present in population databases (gnomAD no frequency). This variant has not been reported in the literature in individuals affected with HACE1-related conditions. Algorithms developed to predict the effect of sequence changes on RNA splicing suggest that this variant may disrupt the consensus splice site. For these reasons, this variant has been classified as Pathogenic.

Literature cited by the submitters: PubMed 26424145; PubMed 26437029.